The following is an entry in ClinVar:

NM_001374353.1(GLI2):c.2957A>C (p.Asp986Ala)

Gene: GLI2 (GLI family zinc finger 2; plus strand). Cytogenetic location: 2q14.2.
Variant type: single nucleotide variant.
Coding change: c.2957A>C on transcript NM_001374353.1 (MANE Select); coding-DNA position 2957, A replaced by C.
Protein change: p.Asp986Ala; replaces aspartic acid 986 with alanine.
Molecular consequence: missense variant.
Genome position (GRCh38, 1-based): chr2:120,988,922, A>C. VCF-style: chr2-120988922-A-C. GRCh37 (hg19) VCF-style: chr2-121746498-A-C.
Other names: c.3008A>C, p.Asp1003Ala (NM_001371271.1, NM_005270.5); c.2582A>C, p.Asp861Ala (NM_001374354.1); short protein forms D1003A, D861A, D986A.
Identifiers: ClinVar variation 1186859 (VCV001186859.8), dbSNP rs930268229, ClinGen allele CA54382019.

ClinVar aggregate classification (germline): Uncertain significance. Review status: criteria provided, multiple submitters, no conflicts (2 of 4 stars). 3 submissions from 3 submitters: Uncertain significance (3). Last evaluated 2025-09-09.

Conditions:
Inborn genetic diseases. Identifiers: MedGen C0950123, MeSH D030342.
Postaxial polydactyly-anterior pituitary anomalies-facial dysmorphism syndrome. Also called: Culler-Jones syndrome. Identifiers: Orphanet 420584, MedGen C4014479, MONDO:0014369, OMIM 615849.
Holoprosencephaly 9 (HPE9). Also called: PITUITARY ANOMALIES WITH HOLOPROSENCEPHALY-LIKE FEATURES; HOLOPROSENCEPHALY WITH MICROPHTHALMIA AND FIRST BRANCHIAL ARCH ANOMALIES. Identifiers: Orphanet 2162, MedGen C1835819, MONDO:0012563, OMIM 610829.

Allele frequency attached by ClinVar (database versions not stated): TOPMed 0.00005; gnomAD exomes below 0.00001 and 0.00001; gnomAD 0.00001.
gnomAD v4.1: 4 of 1,521,386 alleles (0.00026%); highest among the groups gnomAD compares: Admixed American, 0.0079%; no homozygotes.

Submissions (3):

Labcorp Genetics (formerly Invitae), Labcorp
Classification: Uncertain significance for Postaxial polydactyly-anterior pituitary anomalies-facial dysmorphism syndrome; Holoprosencephaly 9. Last evaluated: 2025-09-09. Review status: criteria provided, single submitter. Criteria: Invitae Variant Classification Sherloc (09022015). Collection method: clinical testing. Allele origin: germline.
Comment: This sequence change replaces aspartic acid, which is acidic and polar, with alanine, which is neutral and non-polar, at codon 1003 of the GLI2 protein (p.Asp1003Ala). This variant is present in population databases (no rsID available, gnomAD 0.004%). This variant has not been reported in the literature in individuals affected with GLI2-related conditions. ClinVar contains an entry for this variant (Variation ID: 1186859). Invitae Evidence Modeling of protein sequence and biophysical properties (such as structural, functional, and spatial information, amino acid conservation, physicochemical variation, residue mobility, and thermodynamic stability) indicates that this missense variant is not expected to disrupt GLI2 protein function with a negative predictive value of 80%. In summary, the available evidence is currently insufficient to determine the role of this variant in disease. Therefore, it has been classified as a Variant of Uncertain Significance.

Ambry Genetics
Classification: Uncertain significance for Inborn genetic diseases. Last evaluated: 2024-10-01. Review status: criteria provided, single submitter. Criteria: Ambry Variant Classification Scheme 2023. Collection method: clinical testing. Allele origin: germline.

GeneDx
Classification: Uncertain significance. Last evaluated: 2019-09-23. Review status: criteria provided, single submitter. Criteria: GeneDx Variant Classification Process June 2021. Collection method: clinical testing. Allele origin: germline. Affected: yes.
Comment: Not observed at a significant frequency in large population cohorts (Lek et al., 2016); In silico analysis, which includes protein predictors and evolutionary conservation, supports a deleterious effect; Has not been previously published as pathogenic or benign to our knowledge